The following is an entry in ClinVar:

NM_001164508.2(NEB):c.12160del (p.Trp4054fs)

Gene: NEB (nebulin; minus strand). Cytogenetic location: 2q23.3.
Variant type: Deletion.
Coding change: c.12160del on transcript NM_001164508.2 (MANE Select); coding-DNA position 12160, one base deleted (T; older notation c.12160delT).
Protein change: p.Trp4054fs; shifts the reading frame from tryptophan 4054.
Molecular consequence: frameshift variant.
Genome position (GRCh38, 1-based): chr2:151,609,979, A deleted on the plus strand (T on the coding strand, the reverse complement: NEB is on the minus strand). VCF-style (leftmost placement, unchanged base first): chr2-151609978-CA-C. GRCh37 (hg19) VCF-style: chr2-152466492-CA-C.
Other names: NM_001164508.2(NEB):c.12160del; p.Trp4054fs; c.12160delT (NM_001271208.2); c.12160del, p.Trp4054fs (NM_001164507.2, NM_001271208.2); c.11431del, p.Trp3811fs (NM_004543.5); short protein forms W3811fs, W4054fs.
Identifiers: ClinVar variation 639479 (VCV000639479.16), dbSNP rs1319778592, ClinGen allele CA537030272.

ClinVar aggregate classification (germline): Pathogenic/Likely pathogenic. Review status: criteria provided, multiple submitters, no conflicts (2 of 4 stars). 5 submissions from 5 submitters: Pathogenic (4); Likely pathogenic (1). Last evaluated 2025-08-07.

Conditions:
Arthrogryposis multiplex congenita 6. Identifiers: MedGen C5543431, MONDO:0030281, OMIM 619334.
Nemaline myopathy. Also called: Myopathies, Nemaline. Identifiers: Orphanet 607, MedGen C0206157, MONDO:0018958.
Nemaline myopathy 2 (NEM2). Also called: Nemaline myopathy 2, autosomal recessive. Identifiers: MedGen C1850569, MONDO:0009725, OMIM 256030.

Allele frequency attached by ClinVar (database versions not stated): gnomAD exomes below 0.00001 and 0.00001; TOPMed below 0.00001.

Submissions (5):

Natera, Inc.
Classification: Pathogenic for Nemaline myopathy type 2. Last evaluated: 2025-08-07. Review status: criteria provided, single submitter. Criteria: Natera Variant Classification Schema (03/2026). Collection method: clinical testing. Allele origin: germline.
Comment: The c.12160delT variant in NEB is a frameshift variant predicted to shift the reading frame beginning at codon 4054 and leads to a stop codon 12 codons downstream. This variant is expected to result in nonsense mediated decay, truncation, or a dysfunctional protein product. This variant is rare in the general population with a frequency below the threshold expected for the associated phenotype(s). This variant has been observed in one or more individuals affected with the associated recessive disease, as either homozygous or compound heterozygous with a second variant (PMID: 25205138). Given the available evidence, this variant is classified as Pathogenic.

Broad Center for Mendelian Genomics, Broad Institute of MIT and Harvard
Classification: Likely pathogenic for Nemaline myopathy. Last evaluated: 2025-03-11. Review status: criteria provided, single submitter. Criteria: ACMG Guidelines, 2015. Collection method: curation. Allele origin: germline. Inheritance: Autosomal recessive inheritance.
Comment: The p.Trp4054GlyfsTer12 variant in NEB has been reported in one individual with nemaline myopathy (PMID: 25205138), and has been identified in 0.003% (1/33480) of African/African American chromosomes by the Genome Aggregation Database (gnomAD; dbSNP ID: rs1319778592). Although this variant has been seen in the general population in a heterozygous state, its frequency is low enough to be consistent with a recessive carrier frequency. This variant has also been reported in ClinVar (Variation ID: 639479) and has been interpreted as pathogenic by Invitae and Natera Inc. This variant is predicted to cause a frameshift, which alters the protein‚Äôs amino acid sequence beginning at position 4045 and leads to a premature termination codon 12 amino acids downstream. This alteration is then predicted to lead to a truncated or absent protein. Loss of function of the NEB gene is an established disease mechanism in autosomal recessive nemaline myopathy. In summary, although additional studies are required to fully establish its clinical significance, this variant is likely pathogenic for autosomal recessive nemaline myopathy. ACMG/AMP Criteria applied: PVS1, PM2_suppoting (Richards 2015).

Women's Health and Genetics/Laboratory Corporation of America, LabCorp
Classification: Pathogenic for Nemaline myopathy. Last evaluated: 2024-07-15. Review status: criteria provided, single submitter. Criteria: LabCorp Variant Classification Summary - May 2015. Collection method: clinical testing. Allele origin: germline.
Comment: Variant summary: NEB c.12160delT (p.Trp4054GlyfsX12) results in a premature termination codon, predicted to cause absence of the protein due to nonsense mediated decay, which is a commonly known mechanism for disease. The variant allele was found at a frequency of 4e-06 in 248972 control chromosomes. c.12160delT has been reported in the literature in at least one individual affected with Nemaline Myopathy (e.g. Lehtokari_2014). These data suggest the variant is likely associated with disease. To our knowledge, no experimental evidence demonstrating an impact on protein function has been reported. The following publication has been ascertained in the context of this evaluation (PMID: 25205138). ClinVar contains an entry for this variant (Variation ID: 639479). Based on the evidence outlined above, the variant was classified as pathogenic.

Labcorp Genetics (formerly Invitae), Labcorp
Classification: Pathogenic for Nemaline myopathy 2. Last evaluated: 2024-05-02. Review status: criteria provided, single submitter. Criteria: Invitae Variant Classification Sherloc (09022015). Collection method: clinical testing. Allele origin: germline.
Comment: This sequence change creates a premature translational stop signal (p.Trp4054Glyfs*12) in the NEB gene. It is expected to result in an absent or disrupted protein product. Loss-of-function variants in NEB are known to be pathogenic (PMID: 25205138). This variant is present in population databases (no rsID available, gnomAD 0.007%). This premature translational stop signal has been observed in individual(s) with nemaline myopathy (PMID: 25205138). ClinVar contains an entry for this variant (Variation ID: 639479). For these reasons, this variant has been classified as Pathogenic.

Baylor Genetics
Classification: Pathogenic for Arthrogryposis multiplex congenita 6. Last evaluated: 2023-11-20. Review status: criteria provided, single submitter. Criteria: ACMG Guidelines, 2015. Collection method: clinical testing. Allele origin: unknown.

Literature cited by the submitters: PubMed 25205138 (cited by 3 submitters).